The following is an entry in ClinVar:

ClinVar aggregate classification (germline): Uncertain significance (1 of 4 stars; one submission).

gnomAD v4.1: 7 of 1,614,104 alleles (0.00043%); highest among the groups gnomAD compares: Middle Eastern, 0.016%; no homozygotes.

Submission:

Labcorp Genetics (formerly Invitae), Labcorp
Classification: Uncertain significance. Last evaluated: 2024-07-03. Review status: criteria provided, single submitter. Criteria: Invitae Variant Classification Sherloc (09022015). Collection method: clinical testing. Allele origin: germline.
Comment: This sequence change replaces glutamic acid, which is acidic and polar, with lysine, which is basic and polar, at codon 231 of the KRT6B protein (p.Glu231Lys). This variant is present in population databases (rs746866169, gnomAD 0.003%). This variant has not been reported in the literature in individuals affected with KRT6B-related conditions. Advanced modeling of protein sequence and biophysical properties (such as structural, functional, and spatial information, amino acid conservation, physicochemical variation, residue mobility, and thermodynamic stability) performed at Invitae indicates that this missense variant is not expected to disrupt KRT6B protein function with a negative predictive value of 80%. In summary, the available evidence is currently insufficient to determine the role of this variant in disease. Therefore, it has been classified as a Variant of Uncertain Significance.

NM_005555.4(KRT6B):c.691G>A (p.Glu231Lys)

Gene: KRT6B (keratin 6B; minus strand). Cytogenetic location: 12q13.13.
Variant type: single nucleotide variant.
Coding change: c.691G>A on transcript NM_005555.4 (MANE Select); coding-DNA position 691, G replaced by A.
Protein change: p.Glu231Lys; replaces glutamic acid 231 with lysine.
Molecular consequence: missense variant.
Genome position (GRCh38, 1-based): chr12:52,450,470, C>T on the plus strand (G>A on the coding strand, the complement: KRT6B is on the minus strand). VCF-style: chr12-52450470-C-T. GRCh37 (hg19) VCF-style: chr12-52844254-C-T.
Other names: short protein forms E231K.
Identifiers: ClinVar variation 3712099 (VCV003712099.2).